The following is an entry in ClinVar:

NM_002317.7(LOX):c.1143C>G (p.Asn381Lys)

Genes: LOX (lysyl oxidase; minus strand), SRFBP1 (serum response factor binding protein 1; plus strand). Cytogenetic location: 5q23.1.
Variant type: single nucleotide variant.
Coding change: c.1143C>G on transcript NM_002317.7 (MANE Select); coding-DNA position 1143, C replaced by G.
Protein change: p.Asn381Lys; replaces asparagine 381 with lysine.
Molecular consequence: missense variant.
Genome position (GRCh38, 1-based): chr5:122,070,157, G>C on the plus strand (C>G on the coding strand, the complement: LOX is on the minus strand). VCF-style: chr5-122070157-G-C. GRCh37 (hg19) VCF-style: chr5-121405852-G-C.
Other names: c.252C>G, p.Asn84Lys (NM_001317073.1); c.453C>G, p.Asn151Lys (NM_001178102.2); short protein forms N151K, N381K, N84K.
Identifiers: ClinVar variation 4859243 (VCV004859243.1).

ClinVar aggregate classification (germline): Uncertain significance (1 of 4 stars; one submission).

Conditions:
Cardiovascular phenotype. Identifiers: MedGen CN230736.

Submission:

Ambry Genetics
Classification: Uncertain significance for Cardiovascular phenotype. Last evaluated: 2026-06-14. Review status: criteria provided, single submitter. Criteria: Ambry Variant Classification Scheme 2023. Collection method: clinical testing. Allele origin: germline.
Comment: The p.N381K variant (also known as c.1143C>G), located in coding exon 6 of the LOX gene, results from a C to G substitution at nucleotide position 1143. The asparagine at codon 381 is replaced by lysine, an amino acid with similar properties. This amino acid position is conserved. In addition, this alteration is predicted to be tolerated by in silico analysis. Based on the available evidence, the clinical significance of this variant remains unclear.